The following is an entry in ClinVar:

NM_001040108.2(MLH3):c.3138G>A (p.Arg1046=)

Gene: MLH3 (mutL homolog 3; minus strand). Cytogenetic location: 14q24.3.
Variant type: single nucleotide variant.
Coding change: c.3138G>A on transcript NM_001040108.2 (MANE Select); coding-DNA position 3138, G replaced by A.
Protein change: p.Arg1046=; no amino-acid change (arginine 1046 retained).
Molecular consequence: synonymous variant.
Genome position (GRCh38, 1-based): chr14:75,046,518, C>T on the plus strand (G>A on the coding strand, the complement: MLH3 is on the minus strand). VCF-style: chr14-75046518-C-T. GRCh37 (hg19) VCF-style: chr14-75513221-C-T.
Other names: c.3138G>A, p.Arg1046= (NM_014381.3).
Identifiers: ClinVar variation 1728035 (VCV001728035.3), dbSNP rs1418361697, ClinGen allele CA487177383.

ClinVar aggregate classification (germline): Benign/Likely benign. Review status: criteria provided, multiple submitters, no conflicts (2 of 4 stars). 2 submissions from 2 submitters: Benign (1); Likely benign (1). Last evaluated 2026-09-18.

Conditions:
Colorectal cancer, hereditary nonpolyposis, type 7. Identifiers: Orphanet 144, MedGen C1858380, MONDO:0013725, OMIM 614385.

Allele frequency attached by ClinVar (database versions not stated): gnomAD exomes below 0.00001.
gnomAD v4.1: 6 of 1,614,204 alleles (0.00037%); highest among the groups gnomAD compares: Non-Finnish European, 0.00042%; no homozygotes.

Submissions (2):

Myriad Genetics, Inc.
Classification: Benign for Colorectal cancer, hereditary nonpolyposis, type 7. Last evaluated: 2026-09-18. Review status: criteria provided, single submitter. Criteria: Myriad Autosomal Dominant, Autosomal Recessive and X-Linked Classification Criteria (2023). Collection method: clinical testing. Allele origin: unknown.
Comment: This variant is considered benign. This variant is a silent/synonymous amino acid change and it is not expected to impact splicing.

Ambry Genetics
Classification: Likely benign. Last evaluated: 2019-08-12. Review status: criteria provided, single submitter. Criteria: Ambry Variant Classification Scheme 2023. Collection method: clinical testing. Allele origin: germline.